The following is an entry in ClinVar:

ClinVar aggregate classification (germline): Uncertain significance (1 of 4 stars; one submission).

gnomAD v4.1: 1 of 1,577,268 alleles (0.000063%); highest among the groups gnomAD compares: Non-Finnish European, 0.000087%; no homozygotes.

Submission:

Quest Diagnostics Nichols Institute San Juan Capistrano
Classification: Uncertain significance. Last evaluated: 2025-03-07. Review status: criteria provided, single submitter. Criteria: Quest Diagnostics criteria. Collection method: clinical testing. Allele origin: unknown.
Comment: The FANCM c.1141T>A (p.Ser381Thr) variant has not been reported in individuals with FANCM-related conditions in the published literature. It also has not been reported in large, multi-ethnic general populations (Genome Aggregation Database). Analysis of this variant using bioinformatics tools for the prediction of the effect of amino acid changes on protein structure and function yielded conflicting predictions that this variant is benign or damaging. Based on the available information, we are unable to determine the clinical significance of this variant.

NM_020937.4(FANCM):c.1141T>A (p.Ser381Thr)

Gene: FANCM (FA complementation group M; plus strand). Cytogenetic location: 14q21.2.
Variant type: single nucleotide variant.
Coding change: c.1141T>A on transcript NM_020937.4 (MANE Select); coding-DNA position 1141, T replaced by A.
Protein change: p.Ser381Thr; replaces serine 381 with threonine.
Molecular consequence: missense variant.
Genome position (GRCh38, 1-based): chr14:45,154,010, T>A. VCF-style: chr14-45154010-T-A. GRCh37 (hg19) VCF-style: chr14-45623213-T-A.
Other names: c.1063T>A, p.Ser355Thr (NM_001308133.2); c.1141T>A, p.Ser381Thr (NM_001308134.2); short protein forms S355T, S381T.
Identifiers: ClinVar variation 4533121 (VCV004533121.1).
Genomic context (GRCh38, chr14:45,154,010, plus strand): 5'-TTTGCTATTTGTATTAGTTTATATCATGGTTATGAATTATTGCAGCAAATGGGAATGAGA[T>A]CATTATATTTCTTCCTTTGTGGAATTATGGATGGAACTAAAGGTAAATTATATCAAATTA-3'
Protein context (NP_065988.1, residues 371-391): YELLQQMGMR[Ser381Thr]LYFFLCGIMD